The following is an entry in ClinVar:

NM_001692.4(ATP6V1B1):c.511A>G (p.Ile171Val)

Gene: ATP6V1B1 (ATPase H+ transporting V1 subunit B1; plus strand). Cytogenetic location: 2p13.3.
Variant type: single nucleotide variant.
Coding change: c.511A>G on transcript NM_001692.4 (MANE Select); coding-DNA position 511, A replaced by G.
Protein change: p.Ile171Val; replaces isoleucine 171 with valine.
Molecular consequence: missense variant.
Genome position (GRCh38, 1-based): chr2:70,960,004, A>G. VCF-style: chr2-70960004-A-G. GRCh37 (hg19) VCF-style: chr2-71187134-A-G.
Other names: short protein forms I171V.
Identifiers: ClinVar variation 1313362 (VCV001313362.6), dbSNP rs782446537, ClinGen allele CA1701073.
Genomic context (GRCh38, chr2:70,960,004, plus strand): 5'-CCCATCAACCCGCACTCCCGCATCTACCCCGAGGAGATGATTCAGACGGGCATTTCTCCT[A>G]TTGACGTCATGAACAGCATTGCCCGCGGCCAGAAGATCCCCATCTTCTCAGCAGCCGGGC-3'
Protein context (NP_001683.2, residues 161-181): EEMIQTGISP[Ile171Val]DVMNSIARGQ

ClinVar aggregate classification (germline): Uncertain significance. Review status: criteria provided, multiple submitters, no conflicts (2 of 4 stars). 4 submissions from 4 submitters: Uncertain significance (4). Last evaluated 2024-02-06.

Conditions:
Inborn genetic diseases. Identifiers: MedGen C0950123, MeSH D030342.
Renal tubular acidosis with progressive nerve deafness. Also called: Distal Renal Tubular Acidosis with Progressive Sensorineural Deafness; RENAL TUBULAR ACIDOSIS, AUTOSOMAL RECESSIVE, WITH PROGRESSIVE NERVE DEAFNESS; RTA WITH PROGRESSIVE NERVE DEAFNESS; renal tubular acidosis, distal, 2, with progressive sensorineural hearing loss. Identifiers: MedGen C0403554, MONDO:0009968, OMIM 267300.

Allele frequency attached by ClinVar (database versions not stated): ExAC 0.00002; TOPMed 0.00005; gnomAD 0.00007 and 0.00008.
gnomAD v4.1: 257 of 1,614,006 alleles (0.016%); highest among the groups gnomAD compares: Non-Finnish European, 0.021%; no homozygotes.

Submissions (4):

GeneDx
Classification: Uncertain significance. Last evaluated: 2024-02-06. Review status: criteria provided, single submitter. Criteria: GeneDx Variant Classification Process June 2021. Collection method: clinical testing. Allele origin: germline. Affected: yes.
Comment: Not observed at significant frequency in large population cohorts (gnomAD); In silico analysis supports that this missense variant does not alter protein structure/function; Has not been previously published as pathogenic or benign to our knowledge

Ambry Genetics
Classification: Uncertain significance for Inborn genetic diseases. Last evaluated: 2022-08-08. Review status: criteria provided, single submitter. Criteria: Ambry Variant Classification Scheme 2023. Collection method: clinical testing. Allele origin: germline.

Labcorp Genetics (formerly Invitae), Labcorp
Classification: Uncertain significance. Last evaluated: 2022-06-01. Review status: criteria provided, single submitter. Criteria: Invitae Variant Classification Sherloc (09022015). Collection method: clinical testing. Allele origin: germline.
Comment: This sequence change replaces isoleucine, which is neutral and non-polar, with valine, which is neutral and non-polar, at codon 171 of the ATP6V1B1 protein (p.Ile171Val). This variant is present in population databases (rs782446537, gnomAD 0.008%). This variant has not been reported in the literature in individuals affected with ATP6V1B1-related conditions. ClinVar contains an entry for this variant (Variation ID: 1313362). Algorithms developed to predict the effect of missense changes on protein structure and function are either unavailable or do not agree on the potential impact of this missense change (SIFT: "Deleterious"; PolyPhen-2: "Possibly Damaging"; Align-GVGD: "Class C0"). In summary, the available evidence is currently insufficient to determine the role of this variant in disease. Therefore, it has been classified as a Variant of Uncertain Significance.

Fulgent Genetics
Classification: Uncertain significance for Renal tubular acidosis with progressive nerve deafness. Last evaluated: 2021-12-14. Review status: criteria provided, single submitter. Criteria: ACMG Guidelines, 2015. Collection method: clinical testing. Allele origin: unknown.